The following is an entry in ClinVar:

NM_000465.4(BARD1):c.897T>C (p.Thr299=)

Gene: BARD1 (BRCA1 associated RING domain 1; minus strand). Cytogenetic location: 2q35.
Variant type: single nucleotide variant.
Coding change: c.897T>C on transcript NM_000465.4 (MANE Select); coding-DNA position 897, T replaced by C.
Protein change: p.Thr299=; no amino-acid change (threonine 299 retained).
Molecular consequence: synonymous variant. On other transcripts: non-coding transcript variant (2), intron variant (3).
Genome position (GRCh38, 1-based): chr2:214,780,977, A>G on the plus strand (T>C on the coding strand, the complement: BARD1 is on the minus strand). VCF-style: chr2-214780977-A-G. GRCh37 (hg19) VCF-style: chr2-215645701-A-G.
Other names: c.840T>C, p.Thr280= (NM_001282543.2); c.159-28422T>C (NM_001282548.2); c.215+16084T>C (NM_001282545.2); c.364+11320T>C (NM_001282549.2).
Identifiers: ClinVar variation 215749 (VCV000215749.22), dbSNP rs559051241, ClinGen allele CA337696.

ClinVar aggregate classification (germline): Benign/Likely benign. Review status: criteria provided, multiple submitters, no conflicts (2 of 4 stars). 6 submissions from 6 submitters: Benign (1); Likely benign (5). Last evaluated 2026-01-11.

Conditions:
Hereditary cancer-predisposing syndrome. Also called: Hereditary neoplastic syndrome; Neoplastic Syndromes, Hereditary; Tumor predisposition; Hereditary Cancer Syndrome. Identifiers: Orphanet 140162, MedGen C0027672, MeSH D009386, MONDO:0015356.
Familial cancer of breast. Also called: BREAST CANCER, FAMILIAL; Hereditary breast cancer; hereditary breast carcinoma. Identifiers: Orphanet 227535, MedGen C0346153, MONDO:0016419, OMIM 114480. Disease mechanism: loss of function.

Allele frequency attached by ClinVar (database versions not stated): gnomAD below 0.00001 and 0.00001; TOPMed below 0.00001; gnomAD exomes 0.00003 and 0.00006; ExAC 0.00005.
gnomAD v4.1: 50 of 1,613,444 alleles (0.0031%); highest among the groups gnomAD compares: South Asian, 0.052%; no homozygotes.

Submissions (6):

Labcorp Genetics (formerly Invitae), Labcorp
Classification: Likely benign for Familial cancer of breast. Last evaluated: 2026-01-11. Review status: criteria provided, single submitter. Criteria: Invitae Variant Classification Sherloc (09022015). Collection method: clinical testing. Allele origin: germline.

Myriad Genetics, Inc.
Classification: Benign for Familial cancer of breast. Last evaluated: 2024-07-23. Review status: criteria provided, single submitter. Criteria: Myriad Autosomal Dominant, Autosomal Recessive and X-Linked Classification Criteria (2023). Collection method: clinical testing. Allele origin: unknown.
Comment: This variant is considered benign. This variant is a silent/synonymous amino acid change and it is not expected to impact splicing.

Department of Pathology and Laboratory Medicine, Sinai Health System
Classification: Likely benign for Familial cancer of breast. Last evaluated: 2023-09-26. Review status: criteria provided, single submitter. Criteria: ACMG Guidelines, 2015. Collection method: clinical testing. Allele origin: germline. Affected: yes.

Women's Health and Genetics/Laboratory Corporation of America, LabCorp
Classification: Likely benign. Last evaluated: 2019-08-21. Review status: criteria provided, single submitter. Criteria: LabCorp Variant Classification Summary - May 2015. Collection method: clinical testing. Allele origin: germline.

Ambry Genetics
Classification: Likely benign for Hereditary cancer-predisposing syndrome. Last evaluated: 2017-02-09. Review status: criteria provided, single submitter. Criteria: Ambry Variant Classification Scheme 2023. Collection method: clinical testing. Allele origin: germline.

Color Diagnostics, LLC DBA Color Health
Classification: Likely benign for Hereditary cancer-predisposing syndrome. Last evaluated: 2017-01-17. Review status: criteria provided, single submitter. Criteria: ACMG Guidelines, 2015. Collection method: clinical testing. Allele origin: germline.